The following is an entry in ClinVar:

ClinVar aggregate classification (germline): Uncertain significance (1 of 4 stars; one submission).

Submission:

Labcorp Genetics (formerly Invitae), Labcorp
Classification: Uncertain significance. Last evaluated: 2022-12-06. Review status: criteria provided, single submitter. Criteria: Invitae Variant Classification Sherloc (09022015). Collection method: clinical testing. Allele origin: germline.
Comment: In summary, the available evidence is currently insufficient to determine the role of this variant in disease. Therefore, it has been classified as a Variant of Uncertain Significance. Algorithms developed to predict the effect of sequence changes on RNA splicing suggest that this variant may create or strengthen a splice site. Algorithms developed to predict the effect of missense changes on protein structure and function are either unavailable or do not agree on the potential impact of this missense change (SIFT: "Tolerated"; PolyPhen-2: "Probably Damaging"; Align-GVGD: "Class C0"). This variant has not been reported in the literature in individuals affected with TUBGCP6-related conditions. This variant is not present in population databases (gnomAD no frequency). This sequence change replaces phenylalanine, which is neutral and non-polar, with leucine, which is neutral and non-polar, at codon 1508 of the TUBGCP6 protein (p.Phe1508Leu).

NM_020461.4(TUBGCP6):c.4524C>A (p.Phe1508Leu)

Gene: TUBGCP6 (tubulin gamma complex component 6; minus strand). Cytogenetic location: 22q13.33.
Variant type: single nucleotide variant.
Coding change: c.4524C>A on transcript NM_020461.4 (MANE Select); coding-DNA position 4524, C replaced by A.
Protein change: p.Phe1508Leu; replaces phenylalanine 1508 with leucine.
Molecular consequence: missense variant.
Genome position (GRCh38, 1-based): chr22:50,219,170, G>T on the plus strand (C>A on the coding strand, the complement: TUBGCP6 is on the minus strand). VCF-style: chr22-50219170-G-T. GRCh37 (hg19) VCF-style: chr22-50657599-G-T.
Other names: short protein forms F1508L.
Identifiers: ClinVar variation 2796007 (VCV002796007.3), dbSNP rs767610714, ClinGen allele CA412170418.